The following is an entry in ClinVar:

NM_031407.7(HUWE1):c.6792T>G (p.Phe2264Leu)

Gene: HUWE1 (HECT, UBA and WWE domain containing E3 ubiquitin protein ligase 1; minus strand). Cytogenetic location: Xp11.22.
Variant type: single nucleotide variant.
Coding change: c.6792T>G on transcript NM_031407.7 (MANE Select); coding-DNA position 6792, T replaced by G.
Protein change: p.Phe2264Leu; replaces phenylalanine 2264 with leucine.
Molecular consequence: missense variant.
Genome position (GRCh38, 1-based): chrX:53,565,155, A>C on the plus strand (T>G on the coding strand, the complement: HUWE1 is on the minus strand). VCF-style: chrX-53565155-A-C. GRCh37 (hg19) VCF-style: chrX-53592116-A-C.
Other names: short protein forms F2264L.
Identifiers: ClinVar variation 2982987 (VCV002982987.3), dbSNP rs1556944512, ClinGen allele CA413162307.

ClinVar aggregate classification (germline): Uncertain significance (1 of 4 stars; one submission).

Allele frequency attached by ClinVar (database versions not stated): gnomAD 0.00001.

Submission:

Labcorp Genetics (formerly Invitae), Labcorp
Classification: Uncertain significance. Last evaluated: 2023-07-29. Review status: criteria provided, single submitter. Criteria: Invitae Variant Classification Sherloc (09022015). Collection method: clinical testing. Allele origin: germline.
Comment: In summary, the available evidence is currently insufficient to determine the role of this variant in disease. Therefore, it has been classified as a Variant of Uncertain Significance. Advanced modeling of protein sequence and biophysical properties (such as structural, functional, and spatial information, amino acid conservation, physicochemical variation, residue mobility, and thermodynamic stability) has been performed at Invitae for this missense variant, however the output from this modeling did not meet the statistical confidence thresholds required to predict the impact of this variant on HUWE1 protein function. This variant has not been reported in the literature in individuals affected with HUWE1-related conditions. This variant is present in population databases (no rsID available, gnomAD 0.001%), including at least one homozygous and/or hemizygous individual. This sequence change replaces phenylalanine, which is neutral and non-polar, with leucine, which is neutral and non-polar, at codon 2264 of the HUWE1 protein (p.Phe2264Leu).